The following is an entry in ClinVar:

NM_001099403.2(PRDM8):c.1466G>A (p.Gly489Asp)

Genes: PRDM8 (PR/SET domain 8; plus strand), LOC129992745 (ATAC-STARR-seq lymphoblastoid silent region 15522; plus strand). Cytogenetic location: 4q21.21.
Variant type: single nucleotide variant.
Coding change: c.1466G>A on transcript NM_001099403.2 (MANE Select); coding-DNA position 1466, G replaced by A.
Protein change: p.Gly489Asp; replaces glycine 489 with aspartic acid.
Molecular consequence: missense variant.
Genome position (GRCh38, 1-based): chr4:80,202,928, G>A. VCF-style: chr4-80202928-G-A. GRCh37 (hg19) VCF-style: chr4-81124082-G-A.
Other names: c.1466G>A, p.Gly489Asp (NM_020226.4); short protein forms G489D.
Identifiers: ClinVar variation 475670 (VCV000475670.9), dbSNP rs1379672825, ClinGen allele CA357400880.

ClinVar aggregate classification (germline): Uncertain significance. Review status: criteria provided, multiple submitters, no conflicts (2 of 4 stars). 2 submissions from 2 submitters: Uncertain significance (2). Last evaluated 2022-02-20.

Conditions:
Early-onset Lafora body disease. Also called: Epilepsy, progressive myoclonic, 10. Identifiers: Orphanet 324290, MedGen C4225258, MONDO:0014717, OMIM 616640.

Allele frequency attached by ClinVar (database versions not stated): gnomAD 0.00004 and 0.00005; gnomAD exomes 0.00005; TOPMed 0.00005.
gnomAD v4.1: 232 of 1,438,562 alleles (0.016%); highest among the groups gnomAD compares: Non-Finnish European, 0.02%; no homozygotes.

Submissions (2):

Labcorp Genetics (formerly Invitae), Labcorp
Classification: Uncertain significance for Early-onset Lafora body disease. Last evaluated: 2022-02-20. Review status: criteria provided, single submitter. Criteria: Invitae Variant Classification Sherloc (09022015). Collection method: clinical testing. Allele origin: germline.
Comment: This sequence change replaces glycine, which is neutral and non-polar, with aspartic acid, which is acidic and polar, at codon 489 of the PRDM8 protein (p.Gly489Asp). The frequency data for this variant in the population databases is considered unreliable, as metrics indicate poor data quality at this position in the gnomAD database. This variant has not been reported in the literature in individuals affected with PRDM8-related conditions. ClinVar contains an entry for this variant (Variation ID: 475670). Algorithms developed to predict the effect of missense changes on protein structure and function (SIFT, PolyPhen-2, Align-GVGD) all suggest that this variant is likely to be tolerated. In summary, the available evidence is currently insufficient to determine the role of this variant in disease. Therefore, it has been classified as a Variant of Uncertain Significance.

Ambry Genetics
Classification: Uncertain significance. Last evaluated: 2021-08-11. Review status: criteria provided, single submitter. Criteria: Ambry Variant Classification Scheme 2023. Collection method: clinical testing. Allele origin: germline.